The following is an entry in ClinVar:

ClinVar aggregate classification (germline): Likely pathogenic (1 of 4 stars; one submission).

gnomAD v4.1: 1 of 1,613,702 alleles (0.000062%); no homozygotes.

Submission:

Genetic Services Laboratory, University of Chicago
Classification: Likely pathogenic. Last evaluated: 2018-12-03. Review status: criteria provided, single submitter. Criteria: ACMG Guidelines, 2015. Collection method: clinical testing. Allele origin: germline. Affected: yes.
Comment: DNA sequence analysis of the GNAS gene demonstrated a sequence change, c.823A>G, in exon 10 that results in an amino acid change, p.Ser275Gly. This sequence change does not appear to have been previously described in patients with GNAS-related disorders and has also not been described as a known benign sequence change in the GNAS gene. The p.Ser275Gly change affects a moderately conserved amino acid residue located in a domain of the GNAS protein that is known to be functional. In-silico pathogenicity prediction tools (SIFT, PolyPhen2, Align GVGD, REVEL) provide contradictory results for the p.Ser275Gly substitution.

NM_000516.7(GNAS):c.823A>G (p.Ser275Gly)

Gene: GNAS (GNAS complex locus; plus strand). Cytogenetic location: 20q13.32.
Variant type: single nucleotide variant.
Coding change: c.823A>G on transcript NM_000516.7 (MANE Select); coding-DNA position 823, A replaced by G.
Protein change: p.Ser275Gly; replaces serine 275 with glycine.
Molecular consequence: missense variant. On other transcripts: 3 prime UTR variant (2).
Genome position (GRCh38, 1-based): chr20:58,909,788, A>G. VCF-style: chr20-58909788-A-G. GRCh37 (hg19) VCF-style: chr20-57484843-A-G.
Other names: c.826A>G, p.Ser276Gly (NM_001077488.5); c.778A>G, p.Ser260Gly (NM_001077489.4); c.*684A>G (NM_001077490.3); c.646A>G, p.Ser216Gly (NM_001309840.2, NM_001309861.2); c.*729A>G (NM_016592.5); c.2752A>G, p.Ser918Gly (NM_080425.4); c.781A>G, p.Ser261Gly (NM_080426.4); short protein forms S216G, S260G, S261G, S275G, S276G, S918G.
Identifiers: ClinVar variation 1336820 (VCV001336820.4), dbSNP rs2146285803, ClinGen allele CA409452775.